The following is an entry in ClinVar:

ClinVar aggregate classification (germline): Uncertain significance (1 of 4 stars; one submission).

Conditions:
Tuberous sclerosis 2 (TSC2). Identifiers: Orphanet 805, MedGen C1860707, MONDO:0013199, OMIM 613254.

Submission:

Labcorp Genetics (formerly Invitae), Labcorp
Classification: Uncertain significance for Tuberous sclerosis 2. Last evaluated: 2022-07-02. Review status: criteria provided, single submitter. Criteria: Invitae Variant Classification Sherloc (09022015). Collection method: clinical testing. Allele origin: germline.
Comment: This sequence change replaces aspartic acid, which is acidic and polar, with histidine, which is basic and polar, at codon 1319 of the TSC2 protein (p.Asp1319His). In summary, the available evidence is currently insufficient to determine the role of this variant in disease. Therefore, it has been classified as a Variant of Uncertain Significance. Advanced modeling of protein sequence and biophysical properties (such as structural, functional, and spatial information, amino acid conservation, physicochemical variation, residue mobility, and thermodynamic stability) performed at Invitae indicates that this missense variant is not expected to disrupt TSC2 protein function. This variant has not been reported in the literature in individuals affected with TSC2-related conditions. This variant is not present in population databases (gnomAD no frequency).

NM_000548.5(TSC2):c.3955G>C (p.Asp1319His)

Gene: TSC2 (TSC complex subunit 2; plus strand). Cytogenetic location: 16p13.3.
Variant type: single nucleotide variant.
Coding change: c.3955G>C on transcript NM_000548.5 (MANE Select); coding-DNA position 3955, G replaced by C.
Protein change: p.Asp1319His; replaces aspartic acid 1319 with histidine.
Molecular consequence: missense variant.
Genome position (GRCh38, 1-based): chr16:2,083,766, G>C. VCF-style: chr16-2083766-G-C. GRCh37 (hg19) VCF-style: chr16-2133767-G-C.
Other names: c.3736G>C, p.Asp1246His (NM_001406676.1); c.3697G>C, p.Asp1233His (NM_001406677.1); c.3154G>C, p.Asp1052His (NM_001406688.1, NM_001406687.1); c.2542G>C, p.Asp848His (NM_001406689.1); c.2482G>C, p.Asp828His (NM_001406690.1); c.2479G>C, p.Asp827His (NM_001406691.1); c.2413G>C, p.Asp805His (NM_001406692.1, NM_001406693.1, NM_001406694.1); c.2410G>C, p.Asp804His (NM_001406695.1, NM_001406696.1, NM_001406697.1); and 26 more; short protein forms D1053H, D1204H, D1215H, D1216H, D1283H, D1293H, D1318H, D804H.
Identifiers: ClinVar variation 2013165 (VCV002013165.4), dbSNP rs375883030, ClinGen allele CA394297424.